The following is an entry in ClinVar:

ClinVar aggregate classification (germline): Uncertain significance. Review status: criteria provided, multiple submitters, no conflicts (2 of 4 stars). 3 submissions from 3 submitters: Uncertain significance (3). Last evaluated 2024-05-14.

Conditions:
Cardiomyopathy (CMYO). Also called: Cardiomyopathies. Identifiers: Orphanet 167848, MedGen C0878544, MONDO:0004994, HP:0001638. Inheritance: Various modes of inheritance.
Arrhythmogenic right ventricular cardiomyopathy (ARVD). Also called: Arrhythmogenic cardiomyopathy; Cardiomyopathy, ARVC; Arrhythmogenic right ventricular dysplasia; Arrhythmogenic Right Ventricular Cardiomyopathy (ARVC). Identifiers: Orphanet 247, MedGen C0349788, MeSH D019571, MONDO:0016587. Disease mechanism: loss of function. Inheritance: Various modes of inheritance.
Arrhythmogenic right ventricular dysplasia 9 (ARVD9). Also called: Arrhythmogenic Right Ventricular Dysplasia/Cardiomyopathy 9; ARRHYTHMOGENIC RIGHT VENTRICULAR DYSPLASIA, FAMILIAL, 9. Identifiers: MedGen C1836906, MONDO:0012180, OMIM 609040.

Submissions (3):

All of Us Research Program, National Institutes of Health
Classification: Uncertain significance for Arrhythmogenic right ventricular cardiomyopathy. Last evaluated: 2024-05-14. Review status: criteria provided, single submitter. Criteria: ACMG Guidelines, 2015. Collection method: clinical testing. Allele origin: germline. Inheritance: Autosomal dominant inheritance. Observed: 2 variant alleles, 2 heterozygotes.
Comment: This missense variant replaces asparagine with tyrosine at codon 89 of the PKP2 protein. Computational prediction tools and conservation analyses are inconclusive regarding the impact of this variant on the protein function. Computational splicing tools suggest that this variant may not impact RNA splicing. To our knowledge, functional assays have not been performed for this variant nor has this variant been reported in individuals affected with cardiovascular disorders in the literature. This variant has not been identified in the general population by the Genome Aggregation Database (gnomAD). Available evidence is insufficient to determine the role of this variant in disease conclusively. Therefore, this variant is classified as a Variant of Uncertain Significance.

This study involves interpretation of variants in research participants for the purpose of population health screening. Participant phenotype was not available at the time of variant classification. Additional details can be found in publication PMID: 35346344, PMCID: PMC8962531

Color Diagnostics, LLC DBA Color Health
Classification: Uncertain significance for Cardiomyopathy. Last evaluated: 2024-03-06. Review status: criteria provided, single submitter. Criteria: ACMG Guidelines, 2015. Collection method: clinical testing. Allele origin: germline.
Comment: This missense variant replaces asparagine with tyrosine at codon 89 of the PKP2 protein. Computational prediction suggests that this variant may not impact protein structure and function (internally defined REVEL score threshold <= 0.5, PMID: 27666373). To our knowledge, functional studies have not been reported for this variant. This variant has not been reported in individuals affected with PKP2-related disorders in the literature. This variant has not been identified in the general population by the Genome Aggregation Database (gnomAD). The available evidence is insufficient to determine the role of this variant in disease conclusively. Therefore, this variant is classified as a Variant of Uncertain Significance.

Labcorp Genetics (formerly Invitae), Labcorp
Classification: Uncertain significance for Arrhythmogenic right ventricular dysplasia 9. Last evaluated: 2023-09-10. Review status: criteria provided, single submitter. Criteria: Invitae Variant Classification Sherloc (09022015). Collection method: clinical testing. Allele origin: germline.
Comment: This sequence change replaces asparagine, which is neutral and polar, with tyrosine, which is neutral and polar, at codon 89 of the PKP2 protein (p.Asn89Tyr). This variant is not present in population databases (gnomAD no frequency). This variant has not been reported in the literature in individuals affected with PKP2-related conditions. ClinVar contains an entry for this variant (Variation ID: 921499). An algorithm developed to predict the effect of missense changes on protein structure and function (PolyPhen-2) suggests that this variant is likely to be disruptive. In summary, the available evidence is currently insufficient to determine the role of this variant in disease. Therefore, it has been classified as a Variant of Uncertain Significance.

NM_001005242.3(PKP2):c.265A>T (p.Asn89Tyr)

Gene: PKP2 (plakophilin 2; minus strand). Cytogenetic location: 12p11.21.
Variant type: single nucleotide variant.
Coding change: c.265A>T on transcript NM_001005242.3 (MANE Select); coding-DNA position 265, A replaced by T.
Protein change: p.Asn89Tyr; replaces asparagine 89 with tyrosine.
Molecular consequence: missense variant.
Genome position (GRCh38, 1-based): chr12:32,878,991, T>A on the plus strand (A>T on the coding strand, the complement: PKP2 is on the minus strand). VCF-style: chr12-32878991-T-A. GRCh37 (hg19) VCF-style: chr12-33031925-T-A.
Other names: c.265A>T, p.Asn89Tyr (NM_004572.4); short protein forms N89Y.
Identifiers: ClinVar variation 921499 (VCV000921499.8), dbSNP rs1335621190, ClinGen allele CA384366603.
Genomic context (GRCh38, chr12:32,878,991, plus strand): 5'-CATAGGTTTTAGGAACAGGGGAACGGCCTCCAACAAAATCATTTTCAACCAAGTGTAGGT[T>A]GTAGACATACTCAGGAACACTGCTGGTTCGGTGAAGATTTCCTGCAATCAAGCAAATATT-3'
Protein context (NP_001005242.2, residues 79-99): RTSSVPEYVY[Asn89Tyr]LHLVENDFVG